The following is an entry in ClinVar:

NM_170707.4(LMNA):c.150C>T (p.Arg50=)

Gene: LMNA (lamin A/C; plus strand). Cytogenetic location: 1q22.
Variant type: single nucleotide variant.
Coding change: c.150C>T on transcript NM_170707.4 (MANE Select); coding-DNA position 150, C replaced by T.
Protein change: p.Arg50=; no amino-acid change (arginine 50 retained).
Molecular consequence: synonymous variant.
Genome position (GRCh38, 1-based): chr1:156,115,068, C>T. VCF-style: chr1-156115068-C-T. GRCh37 (hg19) VCF-style: chr1-156084859-C-T.
Other names: c.150C>T, p.Arg50= (NM_001282625.2, NM_001282626.2, NM_005572.4 and 1 more transcripts).
Identifiers: ClinVar variation 48040 (VCV000048040.26), dbSNP rs397517894, ClinGen allele CA017383.

ClinVar aggregate classification (germline): Likely benign. Review status: criteria provided, multiple submitters, no conflicts (2 of 4 stars). 10 submissions from 10 submitters: Likely benign (10). Last evaluated 2026-07-01.

Conditions:
LMNA-related disorder. Also called: LMNA-related disorders; LMNA-related condition; LMNA-related disease. Identifiers: MedGen CN380145.
Cardiovascular phenotype. Identifiers: MedGen CN230736.
Charcot-Marie-Tooth disease type 2. Also called: Charcot-Marie-Tooth type 2. Identifiers: Orphanet 64746, MedGen C0270914, MONDO:0018993.
Cardiomyopathy (CMYO). Also called: Cardiomyopathies. Identifiers: Orphanet 167848, MedGen C0878544, MONDO:0004994, HP:0001638. Inheritance: Various modes of inheritance.
Primary dilated cardiomyopathy (DCM). Also called: Dilated Cardiomyopathy. Identifiers: Orphanet 217604, MedGen C0007193, MeSH D002311, MONDO:0005021, HP:0001644. Inheritance: Various modes of inheritance.

Allele frequency attached by ClinVar (database versions not stated): ExAC 0.00012; 1000 Genomes Project 30x 0.00062; 1000 Genomes Project 0.00080; gnomAD exomes 0.00005; gnomAD 0.00009 and 0.00011; TOPMed 0.00001.
gnomAD v4.1: 78 of 1,594,310 alleles (0.0049%); highest among the groups gnomAD compares: Middle Eastern, 0.017%; 1 homozygote.

Submissions (10):

CeGaT Center for Human Genetics Tuebingen
Classification: Likely benign. Last evaluated: 2026-07-01. Review status: criteria provided, single submitter. Criteria: CeGaT Center For Human Genetics Tuebingen Variant Classification Criteria Version 2. Collection method: clinical testing. Allele origin: germline. Affected: yes. Observed: 2 variant alleles.
Comment: LMNA: BP4, BP7

Labcorp Genetics (formerly Invitae), Labcorp
Classification: Likely benign for Charcot-Marie-Tooth disease type 2. Last evaluated: 2026-01-28. Review status: criteria provided, single submitter. Criteria: Invitae Variant Classification Sherloc (09022015). Collection method: clinical testing. Allele origin: germline.

PreventionGenetics, part of Exact Sciences
Classification: Likely benign for LMNA-related condition. Last evaluated: 2025-10-09. Review status: criteria provided, single submitter. Criteria: ACMG Guidelines, 2015. Collection method: clinical testing. Allele origin: germline.
Comment: This variant is classified as likely benign based on ACMG/AMP sequence variant interpretation guidelines (Richards et al. 2015 PMID: 25741868, with internal and published modifications).

Molecular Diagnostic Laboratory for Inherited Cardiovascular Disease, Montreal Heart Institute
Classification: Likely benign. Last evaluated: 2025-04-09. Review status: criteria provided, single submitter. Criteria: ACMG Guidelines, 2015. Collection method: clinical testing. Allele origin: germline. Affected: no.

Blueprint Genetics
Classification: Likely benign. Last evaluated: 2024-09-23. Review status: criteria provided, single submitter. Criteria: ACMG Guidelines, 2015. Collection method: clinical testing. Allele origin: germline.

All of Us Research Program, National Institutes of Health
Classification: Likely benign for Primary dilated cardiomyopathy. Last evaluated: 2024-01-03. Review status: criteria provided, single submitter. Criteria: ACMG Guidelines, 2015. Collection method: clinical testing. Allele origin: germline. Inheritance: Autosomal dominant inheritance. Observed: 11 variant alleles, 11 heterozygotes.
Comment: This study involves interpretation of variants in research participants for the purpose of population health screening. Participant phenotype was not available at the time of variant classification. Additional details can be found in publication PMID: 35346344, PMCID: PMC8962531

Ambry Genetics
Classification: Likely benign for Cardiovascular phenotype. Last evaluated: 2019-11-01. Review status: criteria provided, single submitter. Criteria: Ambry Variant Classification Scheme 2023. Collection method: clinical testing. Allele origin: germline.

GeneDx
Classification: Likely benign. Last evaluated: 2019-06-21. Review status: criteria provided, single submitter. Criteria: GeneDx Variant Classification Process June 2021. Collection method: clinical testing. Allele origin: germline. Affected: yes.

Color Diagnostics, LLC DBA Color Health
Classification: Likely benign for Cardiomyopathy. Last evaluated: 2018-11-27. Review status: criteria provided, single submitter. Criteria: ACMG Guidelines, 2015. Collection method: clinical testing. Allele origin: germline.

Laboratory for Molecular Medicine, Mass General Brigham Personalized Medicine
Classification: Likely benign. Last evaluated: 2009-12-10. Review status: criteria provided, single submitter. Criteria: LMM Criteria. Collection method: clinical testing. Allele origin: germline. Observed: 1 variant allele.